The following is an entry in ClinVar:

ClinVar aggregate classification (germline): Likely benign (1 of 4 stars; one submission).

gnomAD v4.1: 7 of 1,613,282 alleles (0.00043%); highest among the groups gnomAD compares: Middle Eastern, 0.016%; no homozygotes.

Submission:

CeGaT Center for Human Genetics Tuebingen
Classification: Likely benign. Last evaluated: 2025-11-01. Review status: criteria provided, single submitter. Criteria: CeGaT Center For Human Genetics Tuebingen Variant Classification Criteria Version 2. Collection method: clinical testing. Allele origin: germline. Affected: yes. Observed: 1 variant allele.
Comment: PRDM16: BP4

NM_022114.4(PRDM16):c.2297G>C (p.Gly766Ala)

Gene: PRDM16 (PR/SET domain 16; plus strand). Cytogenetic location: 1p36.32.
Variant type: single nucleotide variant.
Coding change: c.2297G>C on transcript NM_022114.4 (MANE Select); coding-DNA position 2297, G replaced by C.
Protein change: p.Gly766Ala; replaces glycine 766 with alanine.
Molecular consequence: missense variant.
Genome position (GRCh38, 1-based): chr1:3,412,494, G>C. VCF-style: chr1-3412494-G-C. GRCh37 (hg19) VCF-style: chr1-3329058-G-C.
Other names: c.2297G>C, p.Gly766Ala (NM_199454.3); short protein forms G766A.
Identifiers: ClinVar variation 4534151 (VCV004534151.6).